The following is an entry in ClinVar:

ClinVar aggregate classification (germline): Likely benign. Review status: criteria provided, multiple submitters, no conflicts (2 of 4 stars). 8 submissions from 8 submitters: Likely benign (8). Last evaluated 2025-11-09.

Conditions:
Hereditary cancer-predisposing syndrome. Also called: Neoplastic Syndromes, Hereditary; Hereditary Cancer Syndrome; Hereditary neoplastic syndrome; Tumor predisposition. Identifiers: Orphanet 140162, MedGen C0027672, MeSH D009386, MONDO:0015356.
Familial adenomatous polyposis 2. Also called: ADENOMAS, MULTIPLE COLORECTAL, AUTOSOMAL RECESSIVE; MYH-associated polyposis; Adenomas, multiple colorectal; MUTYH Polyposis; COLORECTAL ADENOMATOUS POLYPOSIS, AUTOSOMAL RECESSIVE; FAP type 2. Identifiers: Orphanet 220460, Orphanet 247798, MedGen C3272841, MONDO:0012041, OMIM 608456.

Allele frequency attached by ClinVar (database versions not stated): gnomAD 0.00002 and 0.00003; TOPMed 0.00003; ExAC 0.00004; gnomAD exomes 0.00004; 1000 Genomes Project 30x 0.00016; 1000 Genomes Project 0.00020.
gnomAD v4.1: 30 of 1,614,228 alleles (0.0019%); highest among the groups gnomAD compares: Admixed American, 0.02%; no homozygotes.

Submissions (8):

Labcorp Genetics (formerly Invitae), Labcorp
Classification: Likely benign for Familial adenomatous polyposis 2. Last evaluated: 2025-11-09. Review status: criteria provided, single submitter. Criteria: Invitae Variant Classification Sherloc (09022015). Collection method: clinical testing. Allele origin: germline.

All of Us Research Program, National Institutes of Health
Classification: Likely benign for Familial adenomatous polyposis 2. Last evaluated: 2023-12-01. Review status: criteria provided, single submitter. Criteria: ACMG Guidelines, 2015. Collection method: clinical testing. Allele origin: germline. Inheritance: Autosomal recessive inheritance. Observed: 8 variant alleles, 8 heterozygotes.
Comment: This study involves interpretation of variants in research participants for the purpose of population health screening. Participant phenotype was not available at the time of variant classification. Additional details can be found in publication PMID: 35346344, PMCID: PMC8962531

Sema4
Classification: Likely benign for Hereditary cancer-predisposing syndrome. Last evaluated: 2022-02-24. Review status: criteria provided, single submitter. Criteria: Sema4 Curation Guidelines. Collection method: curation. Allele origin: germline.

Women's Health and Genetics/Laboratory Corporation of America, LabCorp
Classification: Likely benign. Last evaluated: 2021-04-23. Review status: criteria provided, single submitter. Criteria: LabCorp Variant Classification Summary - May 2015. Collection method: clinical testing. Allele origin: germline.

Quest Diagnostics Nichols Institute San Juan Capistrano
Classification: Likely benign. Last evaluated: 2020-07-30. Review status: criteria provided, single submitter. Criteria: Quest Diagnostics criteria. Collection method: clinical testing. Allele origin: unknown.

GeneDx
Classification: Likely benign. Last evaluated: 2019-08-01. Review status: criteria provided, single submitter. Criteria: GeneDx Variant Classification Process June 2021. Collection method: clinical testing. Allele origin: germline. Affected: yes.

Color Diagnostics, LLC DBA Color Health
Classification: Likely benign for Hereditary cancer-predisposing syndrome. Last evaluated: 2017-01-03. Review status: criteria provided, single submitter. Criteria: ACMG Guidelines, 2015. Collection method: clinical testing. Allele origin: germline.

Ambry Genetics
Classification: Likely benign for Hereditary cancer-predisposing syndrome. Last evaluated: 2015-11-02. Review status: criteria provided, single submitter. Criteria: Ambry Variant Classification Scheme 2023. Collection method: clinical testing. Allele origin: germline.

NM_001048174.2(MUTYH):c.183C>T (p.Asp61=)

Gene: MUTYH (mutY DNA glycosylase; minus strand). Cytogenetic location: 1p34.1.
Variant type: single nucleotide variant.
Coding change: c.183C>T on transcript NM_001048174.2 (MANE Select); coding-DNA position 183, C replaced by T.
Protein change: p.Asp61=; no amino-acid change (aspartic acid 61 retained).
Molecular consequence: synonymous variant. On other transcripts: 5 prime UTR variant (4), non-coding transcript variant (2).
Genome position (GRCh38, 1-based): chr1:45,333,494, G>A on the plus strand (C>T on the coding strand, the complement: MUTYH is on the minus strand). VCF-style: chr1-45333494-G-A. GRCh37 (hg19) VCF-style: chr1-45799166-G-A.
Other names: c.183C>T, p.Asp61= (NM_001048171.2, NM_001048173.2, NM_001293195.2); c.186C>T, p.Asp62= (NM_001048172.2); c.267C>T, p.Asp89= (NM_001128425.2); c.228C>T, p.Asp76= (NM_001293190.2); c.216C>T, p.Asp72= (NM_001293191.2); c.-94C>T (NM_001293192.2, NM_001293196.2); c.-89C>T (NM_001350650.2, NM_001350651.2); c.258C>T, p.Asp86= (NM_012222.3).
Identifiers: ClinVar variation 383376 (VCV000383376.23), dbSNP rs538419476, ClinGen allele CA057186.